The following is an entry in ClinVar:

ClinVar aggregate classification (germline): Uncertain significance (1 of 4 stars; one submission).

gnomAD v4.1: 3 of 1,613,828 alleles (0.00019%); highest among the groups gnomAD compares: African/African-American, 0.0013%; no homozygotes.

Submission:

Ambry Genetics
Classification: Uncertain significance. Last evaluated: 2025-05-02. Review status: criteria provided, single submitter. Criteria: Ambry Variant Classification Scheme 2023. Collection method: clinical testing. Allele origin: germline.
Comment: The p.Q156E variant (also known as c.466C>G), located in coding exon 1 of the TET2 gene, results from a C to G substitution at nucleotide position 466. The glutamine at codon 156 is replaced by glutamic acid, an amino acid with highly similar properties. This amino acid position is conserved. In addition, this alteration is predicted to be tolerated by in silico analysis. Based on the available evidence, the clinical significance of this variant remains unclear.

NM_001127208.3(TET2):c.466C>G (p.Gln156Glu)

Genes: TET2 (tet methylcytosine dioxygenase 2; plus strand), TET2-AS1 (TET2 antisense RNA 1; minus strand). Cytogenetic location: 4q24.
Variant type: single nucleotide variant.
Coding change: c.466C>G on transcript NM_001127208.3 (MANE Select); coding-DNA position 466, C replaced by G.
Protein change: p.Gln156Glu; replaces glutamine 156 with glutamic acid.
Molecular consequence: missense variant.
Genome position (GRCh38, 1-based): chr4:105,234,408, C>G. VCF-style: chr4-105234408-C-G. GRCh37 (hg19) VCF-style: chr4-106155565-C-G.
Other names: c.466C>G, p.Gln156Glu (NM_017628.4); short protein forms Q156E.
Identifiers: ClinVar variation 3967605 (VCV003967605.1).